The following is an entry in ClinVar:

NM_174936.4(PCSK9):c.754G>T (p.Val252Leu)

Gene: PCSK9 (proprotein convertase subtilisin/kexin type 9; plus strand). Cytogenetic location: 1p32.3.
Variant type: single nucleotide variant.
Coding change: c.754G>T on transcript NM_174936.4 (MANE Select); coding-DNA position 754, G replaced by T.
Protein change: p.Val252Leu; replaces valine 252 with leucine.
Molecular consequence: missense variant. On other transcripts: non-coding transcript variant (8).
Genome position (GRCh38, 1-based): chr1:55,052,746, G>T. VCF-style: chr1-55052746-G-T. GRCh37 (hg19) VCF-style: chr1-55518419-G-T.
Other names: c.877G>T, p.Val293Leu (NM_001407240.1); c.754G>T, p.Val252Leu (NM_001407241.1, NM_001407244.1, NM_001407247.1); c.757G>T, p.Val253Leu (NM_001407242.1); c.697G>T, p.Val233Leu (NM_001407243.1); c.562G>T, p.Val188Leu (NM_001407245.1); c.379G>T, p.Val127Leu (NM_001407246.1); short protein forms V127L, V188L, V233L, V252L, V253L, V293L.
Identifiers: ClinVar variation 3074018 (VCV003074018.1), dbSNP rs149139428, ClinGen allele CA340474098.

ClinVar aggregate classification (germline): Uncertain significance (1 of 4 stars; one submission).

Conditions:
Hypercholesterolemia, autosomal dominant, 3 (FHCL3). Also called: Familial Hypercholesterolemia, Autosomal Dominant, 3; PCSK9-Related Familial Hypercholesterolemia, Autosomal Dominant; Familial hypercholesterolemia 3. Identifiers: MedGen C1863551, MONDO:0011369, OMIM 603776.

Submission:

All of Us Research Program, National Institutes of Health
Classification: Uncertain significance for Hypercholesterolemia, autosomal dominant, 3. Last evaluated: 2023-11-30. Review status: criteria provided, single submitter. Criteria: ACMG Guidelines, 2015. Collection method: clinical testing. Allele origin: germline. Inheritance: Autosomal dominant inheritance. Observed: 1 variant allele, 1 heterozygote.
Comment: This study involves interpretation of variants in research participants for the purpose of population health screening. Participant phenotype was not available at the time of variant classification. Additional details can be found in publication PMID: 35346344, PMCID: PMC8962531